The following is an entry in ClinVar:

ClinVar aggregate classification (germline): Likely benign (1 of 4 stars; one submission).

Submission:

CeGaT Center for Human Genetics Tuebingen
Classification: Likely benign. Last evaluated: 2025-04-01. Review status: criteria provided, single submitter. Criteria: CeGaT Center For Human Genetics Tuebingen Variant Classification Criteria Version 2. Collection method: clinical testing. Allele origin: germline. Affected: yes. Observed: 3 variant alleles.
Comment: HYDIN: BP4

NM_001270974.2(HYDIN):c.1491G>C (p.Met497Ile)

Gene: HYDIN (HYDIN axonemal central pair apparatus protein; minus strand). Cytogenetic location: 16q22.2.
Variant type: single nucleotide variant.
Coding change: c.1491G>C on transcript NM_001270974.2 (MANE Select); coding-DNA position 1491, G replaced by C.
Protein change: p.Met497Ile; replaces methionine 497 with isoleucine.
Molecular consequence: missense variant.
Genome position (GRCh38, 1-based): chr16:71,088,480, C>G on the plus strand (G>C on the coding strand, the complement: HYDIN is on the minus strand). VCF-style: chr16-71088480-C-G. GRCh37 (hg19) VCF-style: chr16-71122383-C-G.
Other names: c.1572G>C, p.Met524Ile (NM_001198542.1); c.1542G>C, p.Met514Ile (NM_001198543.1); c.1491G>C, p.Met497Ile (NM_017558.5); short protein forms M497I, M514I, M524I.
Identifiers: ClinVar variation 2646792 (VCV002646792.24), dbSNP rs199588516, ClinGen allele CA283531245.
Genomic context (GRCh38, chr16:71,088,480, plus strand): 5'-AATGATGCCTTCCTTGGGACTGAAAACAAAGCAGGCCCCCAAAGCTGAAGTTGGAGGGGT[C>G]ATGTTGAAGAGAGCATCGATGCTGCCTTTGTTGTACAGTATCGCCTATATCAATAAAAGG-3'
Protein context (NP_001257903.1, residues 487-507): NKGSIDALFN[Met497Ile]TPPTSALGAC